The following is an entry in ClinVar:

NM_152564.5(VPS13B):c.5234A>G (p.Glu1745Gly)

Gene: VPS13B (vacuolar protein sorting 13 homolog B; plus strand). Cytogenetic location: 8q22.2.
Variant type: single nucleotide variant.
Coding change: c.5234A>G on transcript NM_152564.5 (MANE Select); coding-DNA position 5234, A replaced by G.
Protein change: p.Glu1745Gly; replaces glutamic acid 1745 with glycine.
Molecular consequence: missense variant.
Genome position (GRCh38, 1-based): chr8:99,641,824, A>G. VCF-style: chr8-99641824-A-G. GRCh37 (hg19) VCF-style: chr8-100654052-A-G.
Other names: c.5309A>G, p.Glu1770Gly (NM_017890.5); short protein forms E1770G, E1745G.
Identifiers: ClinVar variation 2098117 (VCV002098117.4), dbSNP rs2491206017, ClinGen allele CA371872108.

ClinVar aggregate classification (germline): Uncertain significance (1 of 4 stars; one submission).

Conditions:
Cohen syndrome (COH1). Also called: Cutis verticis gyrata, retinitis pigmentosa, and sensorineural deafness; PEPPER SYNDROME. Identifiers: Orphanet 193, MedGen C0265223, MONDO:0008999, OMIM 216550.

Submission:

Labcorp Genetics (formerly Invitae), Labcorp
Classification: Uncertain significance for Cohen syndrome. Last evaluated: 2022-02-28. Review status: criteria provided, single submitter. Criteria: Invitae Variant Classification Sherloc (09022015). Collection method: clinical testing. Allele origin: germline.
Comment: In summary, the available evidence is currently insufficient to determine the role of this variant in disease. Therefore, it has been classified as a Variant of Uncertain Significance. Algorithms developed to predict the effect of missense changes on protein structure and function are either unavailable or do not agree on the potential impact of this missense change (SIFT: "Not Available"; PolyPhen-2: "Probably Damaging"; Align-GVGD: "Not Available"). This variant has not been reported in the literature in individuals affected with VPS13B-related conditions. This variant is not present in population databases (gnomAD no frequency). This sequence change replaces glutamic acid, which is acidic and polar, with glycine, which is neutral and non-polar, at codon 1770 of the VPS13B protein (p.Glu1770Gly).